The following is an entry in ClinVar:

ClinVar aggregate classification (germline): Uncertain significance. Review status: criteria provided, multiple submitters, no conflicts (2 of 4 stars). 2 submissions from 2 submitters: Uncertain significance (2). Last evaluated 2026-01-12.

gnomAD v4.1: 16 of 1,611,068 alleles (0.00099%); highest among the groups gnomAD compares: East Asian, 0.0022%; no homozygotes.

Submissions (2):

Labcorp Genetics (formerly Invitae), Labcorp
Classification: Uncertain significance. Last evaluated: 2026-01-12. Review status: criteria provided, single submitter. Criteria: Invitae Variant Classification Sherloc (09022015). Collection method: clinical testing. Allele origin: germline.
Comment: This sequence change replaces alanine, which is neutral and non-polar, with threonine, which is neutral and polar, at codon 90 of the ATP4A protein (p.Ala90Thr). The frequency data for this variant in the population databases is considered unreliable, as metrics indicate poor data quality at this position in the gnomAD database. This variant has not been reported in the literature in individuals affected with ATP4A-related conditions. Invitae Evidence Modeling of protein sequence and biophysical properties (such as structural, functional, and spatial information, amino acid conservation, physicochemical variation, residue mobility, and thermodynamic stability) indicates that this missense variant is not expected to disrupt ATP4A protein function with a negative predictive value of 80%. In summary, the available evidence is currently insufficient to determine the role of this variant in disease. Therefore, it has been classified as a Variant of Uncertain Significance.

Ambry Genetics
Classification: Uncertain significance. Last evaluated: 2025-12-08. Review status: criteria provided, single submitter. Criteria: Ambry Variant Classification Scheme 2023. Collection method: clinical testing. Allele origin: germline.

NM_000704.3(ATP4A):c.268G>A (p.Ala90Thr)

Gene: ATP4A (ATPase H+/K+ transporting subunit alpha; minus strand). Cytogenetic location: 19q13.12.
Variant type: single nucleotide variant.
Coding change: c.268G>A on transcript NM_000704.3 (MANE Select); coding-DNA position 268, G replaced by A.
Protein change: p.Ala90Thr; replaces alanine 90 with threonine.
Molecular consequence: missense variant.
Genome position (GRCh38, 1-based): chr19:35,562,587, C>T on the plus strand (G>A on the coding strand, the complement: ATP4A is on the minus strand). VCF-style: chr19-35562587-C-T. GRCh37 (hg19) VCF-style: chr19-36053489-C-T.
Other names: short protein forms A90T.
Identifiers: ClinVar variation 4644301 (VCV004644301.2).
Genomic context (GRCh38, chr19:35,562,587, plus strand): 5'-CCCCGGCCAGCTGCCTCGCGAACTTGACGTACTCTGGGGTGCCCCGTGGTGGCCGCAGTG[C>T]GTTGGGCCCATCCCGCAGCAGCAGCTCAGCAGCCAGGCTCGCAGAGAGGCCCTGGGACAG-3'
Protein context (NP_000695.2, residues 80-100): AELLLRDGPN[Ala90Thr]LRPPRGTPEY